The following is an entry in ClinVar:

ClinVar aggregate classification (germline): Uncertain significance (1 of 4 stars; one submission).

gnomAD v4.1: 2 of 1,606,042 alleles (0.00012%); highest among the groups gnomAD compares: African/African-American, 0.0013%; no homozygotes.

Submission:

Labcorp Genetics (formerly Invitae), Labcorp
Classification: Uncertain significance. Last evaluated: 2022-06-26. Review status: criteria provided, single submitter. Criteria: Invitae Variant Classification Sherloc (09022015). Collection method: clinical testing. Allele origin: germline.
Comment: This sequence change replaces arginine, which is basic and polar, with lysine, which is basic and polar, at codon 3 of the PIGB protein (p.Arg3Lys). This variant is not present in population databases (gnomAD no frequency). This variant has not been reported in the literature in individuals affected with PIGB-related conditions. Algorithms developed to predict the effect of missense changes on protein structure and function (SIFT, PolyPhen-2, Align-GVGD) all suggest that this variant is likely to be tolerated. In summary, the available evidence is currently insufficient to determine the role of this variant in disease. Therefore, it has been classified as a Variant of Uncertain Significance.

NM_004855.5(PIGB):c.8G>A (p.Arg3Lys)

Genes: PIGB (phosphatidylinositol glycan anchor biosynthesis class B; plus strand), LOC130057104 (ATAC-STARR-seq lymphoblastoid active region 9443; plus strand). Cytogenetic location: 15q21.3.
Variant type: single nucleotide variant.
Coding change: c.8G>A on transcript NM_004855.5 (MANE Select); coding-DNA position 8, G replaced by A.
Protein change: p.Arg3Lys; replaces arginine 3 with lysine.
Molecular consequence: missense variant.
Genome position (GRCh38, 1-based): chr15:55,319,258, G>A. VCF-style: chr15-55319258-G-A. GRCh37 (hg19) VCF-style: chr15-55611456-G-A.
Other names: short protein forms R3K.
Identifiers: ClinVar variation 2078790 (VCV002078790.4), dbSNP rs772860275, ClinGen allele CA392540810.